The following is an entry in ClinVar:

ClinVar aggregate classification (germline): Uncertain significance (1 of 4 stars; one submission).

Allele frequency attached by ClinVar (database versions not stated): gnomAD 0.00002; TOPMed 0.00003; ExAC 0.00004; gnomAD exomes 0.00006.
gnomAD v4.1: 100 of 1,609,632 alleles (0.0062%); highest among the groups gnomAD compares: Non-Finnish European, 0.0071%; no homozygotes.

Submission:

Labcorp Genetics (formerly Invitae), Labcorp
Classification: Uncertain significance. Last evaluated: 2022-10-24. Review status: criteria provided, single submitter. Criteria: Invitae Variant Classification Sherloc (09022015). Collection method: clinical testing. Allele origin: germline.
Comment: This sequence change falls in intron 11 of the CACNA1B gene. It does not directly change the encoded amino acid sequence of the CACNA1B protein. It affects a nucleotide within the consensus splice site. This variant is present in population databases (rs202001087, gnomAD 0.009%). This variant has not been reported in the literature in individuals affected with CACNA1B-related conditions. Variants that disrupt the consensus splice site are a relatively common cause of aberrant splicing (PMID: 17576681, 9536098). Algorithms developed to predict the effect of sequence changes on RNA splicing suggest that this variant is not likely to affect RNA splicing. In summary, the available evidence is currently insufficient to determine the role of this variant in disease. Therefore, it has been classified as a Variant of Uncertain Significance.

Literature cited by the submitters: PubMed 17576681; PubMed 9536098.

NM_000718.4(CACNA1B):c.1543+4C>T

Gene: CACNA1B (calcium voltage-gated channel subunit alpha1 B; plus strand). Cytogenetic location: 9q34.3.
Variant type: single nucleotide variant.
Coding change: c.1543+4C>T on transcript NM_000718.4 (MANE Select); 4 bases into the intron after coding-DNA position 1543, C replaced by T.
Molecular consequence: intron variant.
Genome position (GRCh38, 1-based): chr9:137,971,596, C>T. VCF-style: chr9-137971596-C-T. GRCh37 (hg19) VCF-style: chr9-140866048-C-T.
Other names: c.1543+4C>T (NM_001243812.2).
Identifiers: ClinVar variation 2074598 (VCV002074598.1), dbSNP rs202001087, ClinGen allele CA5376193.